The following is an entry in ClinVar:

NM_005585.5(SMAD6):c.465_471del (p.Gly156fs)

Gene: SMAD6 (SMAD family member 6; plus strand). Cytogenetic location: 15q22.31.
Variant type: Microsatellite.
Coding change: c.465_471del on transcript NM_005585.5 (MANE Select); coding-DNA positions 465 to 471, 7 bases deleted (CGGGCGG; older notation c.465_471delCGGGCGG).
Protein change: p.Gly156fs; shifts the reading frame from glycine 156.
Molecular consequence: frameshift variant. On other transcripts: non-coding transcript variant (1).
Genome position (GRCh38, 1-based): chr15:66,703,723-66,703,729, CGGGCGG deleted; deleting any 7 consecutive bases within chr15:66,703,713-66,703,729 gives the same sequence; the c. name uses the placement nearest the transcript's 3' end. VCF-style (leftmost placement, unchanged base first): chr15-66703712-CCGGCGGG-C. GRCh37 (hg19) VCF-style: chr15-66996050-CCGGCGGG-C.
Other names: c.465_471del (NM_005585.4); short protein forms G156fs.
Identifiers: ClinVar variation 638816 (VCV000638816.20), dbSNP rs958818801, ClinGen allele CA915946059.

ClinVar aggregate classification (germline): Conflicting classifications of pathogenicity. Review status: criteria provided, conflicting classifications (1 of 4 stars). 7 submissions from 7 submitters: Pathogenic (1); Likely pathogenic (1); Uncertain significance (2). 3 of the submissions do not count toward it. Last evaluated 2026-09-18.

Conditions:
Craniosynostosis 7 (CRS7). Also called: CRANIOSYNOSTOSIS 7, DIGENIC; CRS7, DIGENIC. Identifiers: MedGen C4479496, MONDO:0044315, OMIM 617439.
Craniosynostosis syndrome. Also called: Craniosynostosis. Identifiers: Orphanet 1531, MedGen C0010278, MeSH D003398, MONDO:0015469, HP:0001363.
Radioulnar synostosis, nonsyndromic, susceptibility to. Identifiers: MedGen C5241445, MONDO:0100183, OMIM 179300.
Aortic valve disease 2 (AOVD2). Identifiers: MedGen C3542024, MONDO:0013902, OMIM 614823.
Radioulnar synostosis. Also called: Congenital radioulnar synostosis. Identifiers: Orphanet 3269, MedGen C0158761, MONDO:0017985, HP:0002974.

Submissions (7):

GeneDx
Classification: Pathogenic. Last evaluated: 2026-09-18. Review status: criteria provided, single submitter. Criteria: GeneDx Variant Classification Process June 2021. Collection method: clinical testing. Allele origin: germline.
Comment: Frameshift variant predicted to result in protein truncation or nonsense mediated decay in a gene for which loss of function is a known mechanism of disease; Not observed at significant frequency in large population cohorts (gnomAD); This variant is associated with the following publications: (PMID: 28659821, 30038786, 28808027, 36732661, 31138930)

MVZ Martinsried, Medicover Genetics
Classification: Likely pathogenic for Craniosynostosis 7. Last evaluated: 2025-03-27. Review status: criteria provided, single submitter. Criteria: ACGS Guidelines, 2020. Collection method: clinical testing. Allele origin: inherited. Affected: yes. Observed: 1 heterozygote.

Labcorp Genetics (formerly Invitae), Labcorp
Classification: Uncertain significance for Aortic valve disease 2. Last evaluated: 2024-03-26. Review status: criteria provided, single submitter. Criteria: Invitae Variant Classification Sherloc (09022015). Collection method: clinical testing. Allele origin: germline.
Comment: This sequence change creates a premature translational stop signal (p.Gly156Valfs*23) in the SMAD6 gene. It is expected to result in an absent or disrupted protein product. However, the current clinical and genetic evidence is not sufficient to establish whether loss-of-function variants in SMAD6 cause disease. This variant is not present in population databases (gnomAD no frequency). This premature translational stop signal has been observed in individual(s) with sagittal craniosynostosis, bicuspid aortic valve-associated thoracic aortic aneurysm and/or radioulnar synostosis (PMID: 28659821, 28808027, 31138930). ClinVar contains an entry for this variant (Variation ID: 638816). In summary, the available evidence is currently insufficient to determine the role of this variant in disease. Therefore, it has been classified as a Variant of Uncertain Significance.

Blueprint Genetics
Classification: Uncertain significance. Last evaluated: 2022-08-19. Review status: criteria provided, single submitter. Criteria: ACMG Guidelines, 2015. Collection method: clinical testing. Allele origin: germline.

OMIM
Classification: risk factor for RADIOULNAR SYNOSTOSIS, NONSYNDROMIC, SUSCEPTIBILITY TO. Last evaluated: 2020-08-28. Review status: no assertion criteria provided. Collection method: literature only. Allele origin: germline. Not counted in ClinVar's aggregate classification.

The Laboratory of Genetics and Metabolism, Hunan Children’s Hospital
Classification: Uncertain significance for radioulnar synostosis. Last evaluated: 2019-05-14. Review status: no assertion criteria provided. Collection method: case-control. Allele origin: de novo, maternal, unknown. Affected: yes. Not counted in ClinVar's aggregate classification.
Comment: PVS1, PM2, PP4, BS4

Yale Center for Mendelian Genomics, Yale University
Classification: Pathogenic for Craniosynostosis syndrome. Last evaluated: 2018-01-01. Review status: no assertion criteria provided. Collection method: literature only. Allele origin: germline. Affected: yes. Observed: 1 heterozygote. Study: Yale Center for Mendelian Genomics. Not counted in ClinVar's aggregate classification.

Literature cited by the submitters: PubMed 28659821 (cited by Labcorp Genetics (formerly Invitae), Labcorp); PubMed 28808027 (cited by Labcorp Genetics (formerly Invitae), Labcorp); PubMed 31138930 (cited by Labcorp Genetics (formerly Invitae), Labcorp and OMIM); PubMed 30038786 (cited by Yale Center for Mendelian Genomics, Yale University).